The following is an entry in ClinVar:

ClinVar aggregate classification (germline): Likely pathogenic (1 of 4 stars; one submission).

Conditions:
Cerebral cavernous malformation 3. Also called: Familial Cerebral Cavernous Malformation 3. Identifiers: Orphanet 221061, MedGen C1864040, MONDO:0011305, OMIM 603285.

Submission:

Labcorp Genetics (formerly Invitae), Labcorp
Classification: Likely pathogenic for Cerebral cavernous malformation 3. Last evaluated: 2019-02-22. Review status: criteria provided, single submitter. Criteria: Invitae Variant Classification Sherloc (09022015). Collection method: clinical testing. Allele origin: germline.
Comment: In summary, the currently available evidence indicates that the variant is pathogenic, but additional data are needed to prove that conclusively. Therefore, this variant has been classified as Likely Pathogenic. Loss-of-function variants in PDCD10 are known to be pathogenic (PMID: 15543491, 18300272, 23801932). This variant has not been reported in the literature in individuals with PDCD10-related conditions. This variant results in a copy number gain of the genomic region encompassing exons 5-7 of the PDCD10 gene. While the exact position of this variant cannot be determined from this data, sub-genic copy number gains are generally in tandem (PMID: 25640679) and may result in an absent or disrupted protein product.

Literature cited by the submitters: PubMed 15543491; PubMed 18300272; PubMed 23801932; PubMed 25640679.

NC_000003.12:g.(?_167687214)_(167695742_?)dup

Gene: PDCD10 (programmed cell death 10; minus strand). Cytogenetic location: 3q26.1.
Variant type: Duplication.
Identifiers: ClinVar variation 832106 (VCV000832106.5).